The following is an entry in ClinVar:

NM_003322.6(TULP1):c.499+5G>C

Gene: TULP1 (TUB like protein 1; minus strand). Cytogenetic location: 6p21.31.
Variant type: single nucleotide variant.
Coding change: c.499+5G>C on transcript NM_003322.6 (MANE Select); 5 bases into the intron after coding-DNA position 499, G replaced by C.
Molecular consequence: intron variant.
Genome position (GRCh38, 1-based): chr6:35,510,856, C>G on the plus strand (G>C on the coding strand, the complement: TULP1 is on the minus strand). VCF-style: chr6-35510856-C-G. GRCh37 (hg19) VCF-style: chr6-35478633-C-G.
Other names: c.340+5G>C (NM_001289395.2).
Identifiers: ClinVar variation 1421345 (VCV001421345.5), dbSNP rs537198333, ClinGen allele CA3772910.

ClinVar aggregate classification (germline): Uncertain significance. Review status: criteria provided, multiple submitters, no conflicts (2 of 4 stars). 3 submissions from 3 submitters: Uncertain significance (3). Last evaluated 2024-10-14.

Allele frequency attached by ClinVar (database versions not stated): TOPMed 0.00001; gnomAD exomes 0.00006; ExAC 0.00007; 1000 Genomes Project 30x 0.00016; 1000 Genomes Project 0.00020.
gnomAD v4.1: 48 of 1,613,816 alleles (0.003%); highest among the groups gnomAD compares: South Asian, 0.045%; no homozygotes.

Submissions (3):

Women's Health and Genetics/Laboratory Corporation of America, LabCorp
Classification: Uncertain significance. Last evaluated: 2024-10-14. Review status: criteria provided, single submitter. Criteria: LabCorp Variant Classification Summary - May 2015. Collection method: clinical testing. Allele origin: germline.
Comment: Variant summary: TULP1 c.499+5G>C alters a non-conserved nucleotide located close to a canonical splice site and therefore could affect mRNA splicing, leading to a significantly altered protein sequence. Computational tools predict a significant impact on normal splicing: Three predict the variant abolishes a canonical 5' splicing donor site. However, these predictions have yet to be confirmed by functional studies. The variant allele was found at a frequency of 6.4e-05 in 251118 control chromosomes (gnomAD). This frequency is not significantly higher than estimated for a pathogenic variant in TULP1 causing Leber Congenital Amaurosis (6.4e-05 vs 0.0005), allowing no conclusion about variant significance. c.499+5G>C has been reported in the literature in individuals affected with features of Leber Congenital Amaurosis or Retinitis Pigmentosa (Chen_2021, Abolhassani_2024). These data indicate that the variant may be associated with disease. To our knowledge, no experimental evidence demonstrating an impact on protein function has been reported. The following publications have been ascertained in the context of this evaluation (PMID: 33608557, 38374194). ClinVar contains an entry for this variant (Variation ID: 1421345). Based on the evidence outlined above, the variant was classified as VUS-possibly pathogenic.

Blueprint Genetics
Classification: Uncertain significance. Last evaluated: 2022-09-12. Review status: criteria provided, single submitter. Criteria: ACMG Guidelines, 2015. Collection method: clinical testing. Allele origin: germline.

Labcorp Genetics (formerly Invitae), Labcorp
Classification: Uncertain significance. Last evaluated: 2021-12-29. Review status: criteria provided, single submitter. Criteria: Invitae Variant Classification Sherloc (09022015). Collection method: clinical testing. Allele origin: germline.
Comment: This sequence change falls in intron 5 of the TULP1 gene. It does not directly change the encoded amino acid sequence of the TULP1 protein. It affects a nucleotide within the consensus splice site. This variant is present in population databases (rs537198333, gnomAD 0.04%). This variant has not been reported in the literature in individuals affected with TULP1-related conditions. Variants that disrupt the consensus splice site are a relatively common cause of aberrant splicing (PMID: 17576681, 9536098). Algorithms developed to predict the effect of sequence changes on RNA splicing suggest that this variant may disrupt the consensus splice site. In summary, the available evidence is currently insufficient to determine the role of this variant in disease. Therefore, it has been classified as a Variant of Uncertain Significance.

Literature cited by the submitters: PubMed 33608557 (cited by Women's Health and Genetics/Laboratory Corporation of America, LabCorp); PubMed 38374194 (cited by Women's Health and Genetics/Laboratory Corporation of America, LabCorp); PubMed 17576681 (cited by Labcorp Genetics (formerly Invitae), Labcorp); PubMed 9536098 (cited by Labcorp Genetics (formerly Invitae), Labcorp).